The following is an entry in ClinVar:

NM_001415.4(EIF2S3):c.310T>G (p.Ser104Ala)

Gene: EIF2S3 (eukaryotic translation initiation factor 2 subunit gamma; plus strand). Cytogenetic location: Xp22.11.
Variant type: single nucleotide variant.
Coding change: c.310T>G on transcript NM_001415.4 (MANE Select); coding-DNA position 310, T replaced by G.
Protein change: p.Ser104Ala; replaces serine 104 with alanine.
Molecular consequence: missense variant.
Genome position (GRCh38, 1-based): chrX:24,057,681, T>G. VCF-style: chrX-24057681-T-G. GRCh37 (hg19) VCF-style: chrX-24075798-T-G.
Other names: short protein forms S104A.
Identifiers: ClinVar variation 3731099 (VCV003731099.2).

ClinVar aggregate classification (germline): Uncertain significance. Review status: criteria provided, multiple submitters, no conflicts (2 of 4 stars). 2 submissions from 2 submitters: Uncertain significance (2). Last evaluated 2026-02-16.

Conditions:
Inborn genetic diseases. Identifiers: MedGen C0950123, MeSH D030342.

Submissions (2):

Ambry Genetics
Classification: Uncertain significance for Inborn genetic diseases. Last evaluated: 2026-02-16. Review status: criteria provided, single submitter. Criteria: Ambry Variant Classification Scheme 2023. Collection method: clinical testing. Allele origin: germline.

GeneDx
Classification: Uncertain significance. Last evaluated: 2024-08-12. Review status: criteria provided, single submitter. Criteria: GeneDx Variant Classification Process June 2021. Collection method: clinical testing. Allele origin: germline. Affected: yes.
Comment: Not observed at significant frequency in large population cohorts (gnomAD); In silico analysis indicates that this missense variant does not alter protein structure/function; Has not been previously published as pathogenic or benign to our knowledge